The following is an entry in ClinVar:

ClinVar aggregate classification (germline): Uncertain significance. Review status: criteria provided, multiple submitters, no conflicts (2 of 4 stars). 4 submissions from 4 submitters: Uncertain significance (4). Last evaluated 2025-06-29.

Conditions:
Peroxisome biogenesis disorder 2B (PBD2B). Identifiers: Orphanet 44, MedGen C3550234, MONDO:0008736, OMIM 202370.
Inborn genetic diseases. Identifiers: MedGen C0950123, MeSH D030342.

Allele frequency attached by ClinVar (database versions not stated): TOPMed 0.00005.
gnomAD v4.1: 313 of 1,614,050 alleles (0.019%); highest among the groups gnomAD compares: Non-Finnish European, 0.026%; 1 homozygote.

Submissions (4):

Ambry Genetics
Classification: Uncertain significance for Inborn genetic diseases. Last evaluated: 2025-06-29. Review status: criteria provided, single submitter. Criteria: Ambry Variant Classification Scheme 2023. Collection method: clinical testing. Allele origin: germline.

Labcorp Genetics (formerly Invitae), Labcorp
Classification: Uncertain significance for Peroxisome biogenesis disorder 2B. Last evaluated: 2024-10-24. Review status: criteria provided, single submitter. Criteria: Invitae Variant Classification Sherloc (09022015). Collection method: clinical testing. Allele origin: germline.
Comment: This sequence change replaces phenylalanine, which is neutral and non-polar, with leucine, which is neutral and non-polar, at codon 99 of the PEX5 protein (p.Phe99Leu). This variant is present in population databases (rs573650362, gnomAD 0.007%). This variant has not been reported in the literature in individuals affected with PEX5-related conditions. ClinVar contains an entry for this variant (Variation ID: 598498). An algorithm developed to predict the effect of missense changes on protein structure and function outputs the following: PolyPhen-2: "Benign". The leucine amino acid residue is found in multiple mammalian species, which suggests that this missense change does not adversely affect protein function. In summary, the available evidence is currently insufficient to determine the role of this variant in disease. Therefore, it has been classified as a Variant of Uncertain Significance.

Eurofins Ntd Llc (ga)
Classification: Uncertain significance. Last evaluated: 2018-08-22. Review status: criteria provided, single submitter. Criteria: EGL ClinVar v180209 classification definitions. Collection method: clinical testing. Allele origin: germline. Observed: 1 variant allele, 1 heterozygote.

Breakthrough Genomics
Classification: Uncertain significance. Review status: criteria provided, single submitter. Criteria: ACMG Guidelines, 2015. Collection method: not provided. Allele origin: germline. Inheritance: Autosomal recessive inheritance. Affected: yes.

NM_001351132.2(PEX5):c.297C>A (p.Phe99Leu)

Gene: PEX5 (peroxisomal biogenesis factor 5; plus strand). Cytogenetic location: 12p13.31.
Variant type: single nucleotide variant.
Coding change: c.297C>A on transcript NM_001351132.2 (MANE Select); coding-DNA position 297, C replaced by A.
Protein change: p.Phe99Leu; replaces phenylalanine 99 with leucine.
Molecular consequence: missense variant.
Genome position (GRCh38, 1-based): chr12:7,191,339, C>A. VCF-style: chr12-7191339-C-A. GRCh37 (hg19) VCF-style: chr12-7343935-C-A.
Other names: c.297C>A (NM_001131025.1); c.297C>A, p.Phe99Leu (NM_001351124.3, NM_001351126.2, NM_001351127.2 and 19 more transcripts); c.342C>A, p.Phe114Leu (NM_001351135.3, NM_001131023.2, NM_001351138.2); short protein forms F99L, F114L.
Identifiers: ClinVar variation 598498 (VCV000598498.12), dbSNP rs573650362, ClinGen allele CA6426081.
Genomic context (GRCh38, chr12:7,191,339, plus strand): 5'-TCAGACCTTCAAGATGGATGACCTCCTGGCTGAGATGCAGCAGATTGAGCAGTCAAACTT[C>A]CGCCAGGCTCCCCAGAGAGGTGAGTCCAGAGTCTAGTGGGAGGGGAGATCGTTTTCCATG-3'
Protein context (NP_001338061.1, residues 89-109): AEMQQIEQSN[Phe99Leu]RQAPQRAPGV